The following is an entry in ClinVar:

NM_001371986.1(UNC80):c.1351G>T (p.Glu451Ter)

Gene: UNC80 (unc-80 subunit of NALCN channel complex; plus strand). Cytogenetic location: 2q34.
Variant type: single nucleotide variant.
Coding change: c.1351G>T on transcript NM_001371986.1 (MANE Select); coding-DNA position 1351, G replaced by T.
Protein change: p.Glu451Ter; replaces glutamic acid 451 with a stop codon.
Molecular consequence: nonsense.
Genome position (GRCh38, 1-based): chr2:209,816,924, G>T. VCF-style: chr2-209816924-G-T. GRCh37 (hg19) VCF-style: chr2-210681648-G-T.
Other names: c.1351G>T, p.Glu451Ter (NM_032504.2, NM_182587.4); short protein forms E451*.
Identifiers: ClinVar variation 1451819 (VCV001451819.6), dbSNP rs2079784277, ClinGen allele CA350134415.
Genomic context (GRCh38, chr2:209,816,924, plus strand): 5'-CTTTTCTTTGCCCTGTGCCTAATTCTACACCTCTCATCACTGTAGTTCAAGAGCCGCAAA[G>T]AAGACCGAGAGAGGAAAGGCTCCATTCCATTCCACCACACAGGCAAGAGGAGGCCACGGA-3'

ClinVar aggregate classification (germline): Pathogenic (1 of 4 stars; one submission).

Submission:

Labcorp Genetics (formerly Invitae), Labcorp
Classification: Pathogenic. Last evaluated: 2022-03-19. Review status: criteria provided, single submitter. Criteria: Invitae Variant Classification Sherloc (09022015). Collection method: clinical testing. Allele origin: germline.
Comment: This variant has not been reported in the literature in individuals affected with UNC80-related conditions. This variant is not present in population databases (gnomAD no frequency). This sequence change creates a premature translational stop signal (p.Glu451*) in the UNC80 gene. It is expected to result in an absent or disrupted protein product. Loss-of-function variants in UNC80 are known to be pathogenic (PMID: 26545877, 26708751, 26708753). Algorithms developed to predict the effect of sequence changes on RNA splicing suggest that this variant may disrupt the consensus splice site. For these reasons, this variant has been classified as Pathogenic.

Literature cited by the submitters: PubMed 26545877; PubMed 26708751; PubMed 26708753.